The following is an entry in ClinVar:

ClinVar aggregate classification (germline): Uncertain significance (1 of 4 stars; one submission).

Allele frequency attached by ClinVar (database versions not stated): TOPMed below 0.00001; gnomAD exomes 0.00001 and 0.00002.
gnomAD v4.1: 28 of 1,613,708 alleles (0.0017%); highest among the groups gnomAD compares: Non-Finnish European, 0.0022%; no homozygotes.

Submission:

Labcorp Genetics (formerly Invitae), Labcorp
Classification: Uncertain significance. Last evaluated: 2024-05-29. Review status: criteria provided, single submitter. Criteria: Invitae Variant Classification Sherloc (09022015). Collection method: clinical testing. Allele origin: germline.
Comment: This sequence change replaces isoleucine, which is neutral and non-polar, with methionine, which is neutral and non-polar, at codon 740 of the SLC12A1 protein (p.Ile740Met). This variant is present in population databases (no rsID available, gnomAD 0.002%). This variant has not been reported in the literature in individuals affected with SLC12A1-related conditions. ClinVar contains an entry for this variant (Variation ID: 1436089). Advanced modeling of protein sequence and biophysical properties (such as structural, functional, and spatial information, amino acid conservation, physicochemical variation, residue mobility, and thermodynamic stability) performed at Invitae indicates that this missense variant is not expected to disrupt SLC12A1 protein function with a negative predictive value of 80%. In summary, the available evidence is currently insufficient to determine the role of this variant in disease. Therefore, it has been classified as a Variant of Uncertain Significance.

NM_000338.3(SLC12A1):c.2220A>G (p.Ile740Met)

Gene: SLC12A1 (solute carrier family 12 member 1; plus strand). Cytogenetic location: 15q21.1.
Variant type: single nucleotide variant.
Coding change: c.2220A>G on transcript NM_000338.3 (MANE Select); coding-DNA position 2220, A replaced by G.
Protein change: p.Ile740Met; replaces isoleucine 740 with methionine.
Molecular consequence: missense variant.
Genome position (GRCh38, 1-based): chr15:48,267,626, A>G. VCF-style: chr15-48267626-A-G. GRCh37 (hg19) VCF-style: chr15-48559823-A-G.
Other names: c.2220A>G, p.Ile740Met (NM_001184832.2, NM_001384136.1); short protein forms I740M.
Identifiers: ClinVar variation 1436089 (VCV001436089.6), dbSNP rs1224123551, ClinGen allele CA392315123.